The following is an entry in ClinVar:

ClinVar aggregate classification (germline): Uncertain significance. Review status: criteria provided, multiple submitters, no conflicts (2 of 4 stars). 2 submissions from 2 submitters: Uncertain significance (2). Last evaluated 2025-09-02.

Conditions:
Inborn genetic diseases. Identifiers: MedGen C0950123, MeSH D030342.

Allele frequency attached by ClinVar (database versions not stated): gnomAD 0.00001; gnomAD exomes 0.00002; TOPMed 0.00002; ExAC 0.00003.
gnomAD v4.1: 32 of 1,613,900 alleles (0.002%); highest among the groups gnomAD compares: South Asian, 0.0033%; no homozygotes.

Submissions (2):

Labcorp Genetics (formerly Invitae), Labcorp
Classification: Uncertain significance. Last evaluated: 2025-09-02. Review status: criteria provided, single submitter. Criteria: Invitae Variant Classification Sherloc (09022015). Collection method: clinical testing. Allele origin: germline.
Comment: This sequence change replaces serine, which is neutral and polar, with leucine, which is neutral and non-polar, at codon 1774 of the SRCAP protein (p.Ser1774Leu). This variant is present in population databases (rs769850314, gnomAD 0.005%). This variant has not been reported in the literature in individuals affected with SRCAP-related conditions. ClinVar contains an entry for this variant (Variation ID: 1480927). Invitae Evidence Modeling of protein sequence and biophysical properties (such as structural, functional, and spatial information, amino acid conservation, physicochemical variation, residue mobility, and thermodynamic stability) indicates that this missense variant is not expected to disrupt SRCAP protein function with a negative predictive value of 80%. In summary, the available evidence is currently insufficient to determine the role of this variant in disease. Therefore, it has been classified as a Variant of Uncertain Significance.

Ambry Genetics
Classification: Uncertain significance for Inborn genetic diseases. Last evaluated: 2022-10-27. Review status: criteria provided, single submitter. Criteria: Ambry Variant Classification Scheme 2023. Collection method: clinical testing. Allele origin: germline.

NM_006662.3(SRCAP):c.5321C>T (p.Ser1774Leu)

Gene: SRCAP (Snf2 related CREBBP activator protein; plus strand). Cytogenetic location: 16p11.2.
Variant type: single nucleotide variant.
Coding change: c.5321C>T on transcript NM_006662.3 (MANE Select); coding-DNA position 5321, C replaced by T.
Protein change: p.Ser1774Leu; replaces serine 1774 with leucine.
Molecular consequence: missense variant.
Genome position (GRCh38, 1-based): chr16:30,724,745, C>T. VCF-style: chr16-30724745-C-T. GRCh37 (hg19) VCF-style: chr16-30736066-C-T.
Other names: c.5321C>T (NM_006662.2); short protein forms S1774L.
Identifiers: ClinVar variation 1480927 (VCV001480927.7), dbSNP rs769850314, ClinGen allele CA8011945.